The following is an entry in ClinVar:

NM_000384.3(APOB):c.2996C>A (p.Thr999Asn)

Gene: APOB (apolipoprotein B; minus strand). Cytogenetic location: 2p24.1.
Variant type: single nucleotide variant.
Coding change: c.2996C>A on transcript NM_000384.3 (MANE Select); coding-DNA position 2996, C replaced by A.
Protein change: p.Thr999Asn; replaces threonine 999 with asparagine.
Molecular consequence: missense variant.
Genome position (GRCh38, 1-based): chr2:21,019,726, G>T on the plus strand (C>A on the coding strand, the complement: APOB is on the minus strand). VCF-style: chr2-21019726-G-T. GRCh37 (hg19) VCF-style: chr2-21242598-G-T.
Other names: short protein forms T999N.
Identifiers: ClinVar variation 2004284 (VCV002004284.4), dbSNP rs2465398314, ClinGen allele CA346010079.

ClinVar aggregate classification (germline): Uncertain significance (1 of 4 stars; one submission).

Conditions:
Familial hypobetalipoproteinemia 1. Also called: Hypobetalipoproteinemia, normotriglyceridemic; Acanthocytosis with hypobetalipoproteinemia; APOB-Related Familial Hypobetalipoproteinemia. Identifiers: MedGen C4551990, MONDO:0014252, OMIM 615558.
Hypercholesterolemia, autosomal dominant, type B (FHCL2). Also called: Familial Hypercholesterolemia Type B; APOLIPOPROTEIN B-100, FAMILIAL DEFECTIVE; APOLIPOPROTEIN B-100, FAMILIAL LIGAND-DEFECTIVE; HYPERCHOLESTEROLEMIA, FAMILIAL, DUE TO LIGAND-DEFECTIVE APOLIPOPROTEIN B; Hyperlipoproteinemia Type IIb; APOB-Related Familial Hypercholesterolemia, Autosomal Dominant. Identifiers: MedGen C1704417, MONDO:0007751, OMIM 144010.

Submission:

Labcorp Genetics (formerly Invitae), Labcorp
Classification: Uncertain significance for Familial hypobetalipoproteinemia 1; Hypercholesterolemia, autosomal dominant, type B. Last evaluated: 2022-06-10. Review status: criteria provided, single submitter. Criteria: Invitae Variant Classification Sherloc (09022015). Collection method: clinical testing. Allele origin: germline.
Comment: In summary, the available evidence is currently insufficient to determine the role of this variant in disease. Therefore, it has been classified as a Variant of Uncertain Significance. Algorithms developed to predict the effect of missense changes on protein structure and function are either unavailable or do not agree on the potential impact of this missense change (SIFT: "Deleterious"; PolyPhen-2: "Probably Damaging"; Align-GVGD: "Class C0"). This variant has not been reported in the literature in individuals affected with APOB-related conditions. This variant is not present in population databases (gnomAD no frequency). This sequence change replaces threonine, which is neutral and polar, with asparagine, which is neutral and polar, at codon 999 of the APOB protein (p.Thr999Asn).